The following is an entry in ClinVar:

ClinVar aggregate classification (germline): Uncertain significance (1 of 4 stars; one submission).

Conditions:
Hereditary cancer-predisposing syndrome. Also called: Neoplastic Syndromes, Hereditary; Tumor predisposition; Hereditary neoplastic syndrome; Hereditary Cancer Syndrome. Identifiers: Orphanet 140162, MedGen C0027672, MeSH D009386, MONDO:0015356.

Submission:

Ambry Genetics
Classification: Uncertain significance for Hereditary cancer-predisposing syndrome. Last evaluated: 2023-02-10. Review status: criteria provided, single submitter. Criteria: Ambry Variant Classification Scheme 2023. Collection method: clinical testing. Allele origin: germline.
Comment: The p.S2064R variant (also known as c.6192T>A), located in coding exon 15 of the APC gene, results from a T to A substitution at nucleotide position 6192. The serine at codon 2064 is replaced by arginine, an amino acid with dissimilar properties. This amino acid position is not well conserved in available vertebrate species. In addition, in silico predictors for this gene do not accurately predict pathogenicity. Since supporting evidence is limited at this time, the clinical significance of this alteration remains unclear.

NM_000038.6(APC):c.6192T>A (p.Ser2064Arg)

Gene: APC (APC regulator of Wnt signaling pathway; plus strand). Cytogenetic location: 5q22.2.
Variant type: single nucleotide variant.
Coding change: c.6192T>A on transcript NM_000038.6 (MANE Select); coding-DNA position 6192, T replaced by A.
Protein change: p.Ser2064Arg; replaces serine 2064 with arginine.
Molecular consequence: missense variant. On other transcripts: non-coding transcript variant (2).
Genome position (GRCh38, 1-based): chr5:112,841,786, T>A. VCF-style: chr5-112841786-T-A. GRCh37 (hg19) VCF-style: chr5-112177483-T-A.
Other names: c.5343T>A, p.Ser1781Arg (NM_001354906.2, NM_001407470.1); c.6276T>A, p.Ser2092Arg (NM_001407446.1); c.6246T>A, p.Ser2082Arg (NM_001407447.1, NM_001407449.1, NM_001407448.1 and 1 more transcripts); c.6192T>A, p.Ser2064Arg (NM_001407450.1, NM_001127510.3, NM_001354895.2); c.6171T>A, p.Ser2057Arg (NM_001407451.1); c.6162T>A, p.Ser2054Arg (NM_001407452.1); c.6138T>A, p.Ser2046Arg (NM_001127511.3); c.6222T>A, p.Ser2074Arg (NM_001354897.2); and 11 more; short protein forms S1938R, S2039R, S2054R, S2092R, S1680R, S1781R, S1963R, S2005R.
Identifiers: ClinVar variation 2452727 (VCV002452727.2), dbSNP rs2533697021, ClinGen allele CA16034894.